The following is an entry in ClinVar:

NM_001378454.1(ALMS1):c.6899T>C (p.Val2300Ala)

Gene: ALMS1 (ALMS1 centrosome and basal body associated protein; plus strand). Cytogenetic location: 2p13.1.
Variant type: single nucleotide variant.
Coding change: c.6899T>C on transcript NM_001378454.1 (MANE Select); coding-DNA position 6899, T replaced by C.
Protein change: p.Val2300Ala; replaces valine 2300 with alanine.
Molecular consequence: missense variant.
Genome position (GRCh38, 1-based): chr2:73,453,426, T>C. VCF-style: chr2-73453426-T-C. GRCh37 (hg19) VCF-style: chr2-73680553-T-C.
Other names: c.6902T>C, p.Val2301Ala (NM_015120.4); short protein forms V2301A, V2300A.
Identifiers: ClinVar variation 389274 (VCV000389274.5), dbSNP rs1057523384, ClinGen allele CA16604396.

ClinVar aggregate classification (germline): Uncertain significance. Review status: criteria provided, multiple submitters, no conflicts (2 of 4 stars). 3 submissions from 3 submitters: Uncertain significance (2). 1 of the submissions does not count toward it. Last evaluated 2022-05-02.

Conditions:
Alstrom syndrome (ALMS). Identifiers: Orphanet 64, MedGen C0268425, MONDO:0008763, OMIM 203800.

gnomAD v4.1: 3 of 1,613,324 alleles (0.00019%); highest among the groups gnomAD compares: Non-Finnish European, 0.00017%; no homozygotes.

Submissions (3):

Labcorp Genetics (formerly Invitae), Labcorp
Classification: Uncertain significance for Alstrom syndrome. Last evaluated: 2022-05-02. Review status: criteria provided, single submitter. Criteria: Invitae Variant Classification Sherloc (09022015). Collection method: clinical testing. Allele origin: germline.
Comment: This sequence change replaces valine, which is neutral and non-polar, with alanine, which is neutral and non-polar, at codon 2301 of the ALMS1 protein (p.Val2301Ala). This variant is not present in population databases (gnomAD no frequency). This variant has not been reported in the literature in individuals affected with ALMS1-related conditions. ClinVar contains an entry for this variant (Variation ID: 389274). In summary, the available evidence is currently insufficient to determine the role of this variant in disease. Therefore, it has been classified as a Variant of Uncertain Significance.

GeneDx
Classification: Uncertain significance. Last evaluated: 2016-09-23. Review status: criteria provided, single submitter. Criteria: GeneDx Variant Classification (06012015). Collection method: clinical testing. Allele origin: germline. Affected: yes.
Comment: The V2301A variant in the ALMS1 gene has not been reported previously as a pathogenic variant, nor as a benign variant, to our knowledge. This variant was not observed in approximately 5900 individuals of European and African American ancestry in the NHLBI Exome Sequencing Project, indicating it is not a common benign variant in these populations. The V2301A variant is a conservative amino acid substitution, which is not likely to impact secondary protein structure as these residues share similar properties, and occurs at a position where amino acids with similar properties to Valine are tolerated across species. In silico analysis is inconsistent in its predictions as to whether or not the variant is damaging to the protein structure/function. We interpret V2301A as a variant of uncertain significance.

Natera, Inc.
Classification: Uncertain significance for Alstrom syndrome. Last evaluated: 2021-04-27. Review status: no assertion criteria provided. Collection method: clinical testing. Allele origin: germline. Not counted in ClinVar's aggregate classification.